The following is an entry in ClinVar:

ClinVar aggregate classification (germline): Benign. Review status: criteria provided, multiple submitters, no conflicts (2 of 4 stars). 2 submissions from 2 submitters: Benign (2). Last evaluated 2024-10-08.

Conditions:
Fleck corneal dystrophy (CFD). Also called: CORNEAL DYSTROPHY, FRANCOIS-NEETENS SPECKLED OR FLECKED. Identifiers: Orphanet 98970, MedGen C1562113, MONDO:0007376, OMIM 121850.

Allele frequency attached by ClinVar (database versions not stated): ESP Exome Variant Server 0.00015; ExAC 0.00041; 1000 Genomes Project 30x 0.00047; gnomAD exomes 0.00051 and 0.00053; TOPMed 0.00054; 1000 Genomes Project 0.00060; gnomAD 0.00075 and 0.00076.
gnomAD v4.1: 858 of 1,612,280 alleles (0.053%); highest among the groups gnomAD compares: Admixed American, 0.14%; no homozygotes.

Submissions (2):

Labcorp Genetics (formerly Invitae), Labcorp
Classification: Benign. Last evaluated: 2024-10-08. Review status: criteria provided, single submitter. Criteria: Invitae Variant Classification Sherloc (09022015). Collection method: clinical testing. Allele origin: germline.

Illumina Laboratory Services, Illumina
Classification: Benign for Fleck corneal dystrophy. Last evaluated: 2018-01-13. Review status: criteria provided, single submitter. Criteria: ICSL Variant Classification Criteria 13 December 2019. Collection method: clinical testing. Allele origin: germline.
Comment: This variant was observed in the ICSL laboratory as part of a predisposition screen in an ostensibly healthy population. It had not been previously curated by ICSL or reported in the Human Gene Mutation Database (HGMD: prior to June 1st, 2018), and was therefore a candidate for classification through an automated scoring system. Utilizing variant allele frequency, disease prevalence and penetrance estimates, and inheritance mode, an automated score was calculated to assess if this variant is too frequent to cause the disease. Based on the score and internal cut-off values, a variant classified as benign is not then subjected to further curation. The score for this variant resulted in a classification of benign for this disease.

NM_015040.4(PIKFYVE):c.2331+12T>A

Gene: PIKFYVE (phosphoinositide kinase, FYVE-type zinc finger containing; plus strand). Cytogenetic location: 2q34.
Variant type: single nucleotide variant.
Coding change: c.2331+12T>A on transcript NM_015040.4 (MANE Select); 12 bases into the intron after coding-DNA position 2331, T replaced by A.
Molecular consequence: intron variant.
Genome position (GRCh38, 1-based): chr2:208,324,294, T>A. VCF-style: chr2-208324294-T-A. GRCh37 (hg19) VCF-style: chr2-209189018-T-A.
Identifiers: ClinVar variation 333901 (VCV000333901.8), dbSNP rs188586992, ClinGen allele CA2079797.